The following is an entry in ClinVar:

NM_000330.4(RS1):c.53-1G>C

Gene: RS1 (retinoschisin 1; minus strand). Cytogenetic location: Xp22.13.
Variant type: single nucleotide variant.
Coding change: c.53-1G>C on transcript NM_000330.4 (MANE Select); the canonical splice acceptor site of the intron before coding-DNA position 53, G replaced by C.
Molecular consequence: splice acceptor variant.
Genome position (GRCh38, 1-based): chrX:18,657,666, C>G on the plus strand (G>C on the coding strand, the complement: RS1 is on the minus strand). VCF-style: chrX-18657666-C-G. GRCh37 (hg19) VCF-style: chrX-18675786-C-G.
Identifiers: ClinVar variation 1997459 (VCV001997459.4), dbSNP rs1928241490, ClinGen allele CA412376922.

ClinVar aggregate classification (germline): Pathogenic (1 of 4 stars; one submission).

Submission:

Labcorp Genetics (formerly Invitae), Labcorp
Classification: Pathogenic. Last evaluated: 2022-05-21. Review status: criteria provided, single submitter. Criteria: Invitae Variant Classification Sherloc (09022015). Collection method: clinical testing. Allele origin: germline.
Comment: Algorithms developed to predict the effect of sequence changes on RNA splicing suggest that this variant may disrupt the consensus splice site. Disruption of this splice site has been observed in individual(s) with retinoschisis (Invitae). This variant is not present in population databases (gnomAD no frequency). This sequence change affects an acceptor splice site in intron 1 of the RS1 gene. It is expected to disrupt RNA splicing. Variants that disrupt the donor or acceptor splice site typically lead to a loss of protein function (PMID: 16199547), and loss-of-function variants in RS1 are known to be pathogenic (PMID: 9618178, 17172462). For these reasons, this variant has been classified as Pathogenic.

Literature cited by the submitters: PubMed 16199547; PubMed 9618178; PubMed 17172462.